The following is an entry in ClinVar:

ClinVar aggregate classification (germline): Uncertain significance (1 of 4 stars; one submission).

Conditions:
Cognitive impairment - coarse facies - heart defects - obesity - pulmonary involvement - short stature - skeletal dysplasia syndrome. Also called: AFF4-Related CHOPS Syndrome; COGNITIVE IMPAIRMENT, COARSE FACIES, HEART DEFECTS, OBESITY, PULMONARY INVOLVEMENT, SHORT STATURE, AND SKELETAL DYSPLASIA; Chops syndrome. Identifiers: Orphanet 444077, MedGen C4085597, MONDO:0014609, OMIM 616368.

gnomAD v4.1: 2 of 1,614,174 alleles (0.00012%); highest among the groups gnomAD compares: Non-Finnish European, 0.00017%; no homozygotes.

Submission:

Labcorp Genetics (formerly Invitae), Labcorp
Classification: Uncertain significance for Cognitive impairment - coarse facies - heart defects - obesity - pulmonary involvement - short stature - skeletal dysplasia syndrome. Last evaluated: 2022-10-13. Review status: criteria provided, single submitter. Criteria: Invitae Variant Classification Sherloc (09022015). Collection method: clinical testing. Allele origin: germline.
Comment: This sequence change replaces alanine, which is neutral and non-polar, with glycine, which is neutral and non-polar, at codon 186 of the AFF4 protein (p.Ala186Gly). This variant is not present in population databases (gnomAD no frequency). This variant has not been reported in the literature in individuals affected with AFF4-related conditions. Algorithms developed to predict the effect of missense changes on protein structure and function are either unavailable or do not agree on the potential impact of this missense change (SIFT: "Deleterious"; PolyPhen-2: "Possibly Damaging"; Align-GVGD: "Class C0"). In summary, the available evidence is currently insufficient to determine the role of this variant in disease. Therefore, it has been classified as a Variant of Uncertain Significance.

NM_014423.4(AFF4):c.557C>G (p.Ala186Gly)

Gene: AFF4 (ALF transcription elongation factor 4; minus strand). Cytogenetic location: 5q31.1.
Variant type: single nucleotide variant.
Coding change: c.557C>G on transcript NM_014423.4 (MANE Select); coding-DNA position 557, C replaced by G.
Protein change: p.Ala186Gly; replaces alanine 186 with glycine.
Molecular consequence: missense variant.
Genome position (GRCh38, 1-based): chr5:132,934,508, G>C on the plus strand (C>G on the coding strand, the complement: AFF4 is on the minus strand). VCF-style: chr5-132934508-G-C. GRCh37 (hg19) VCF-style: chr5-132270200-G-C.
Other names: short protein forms A186G.
Identifiers: ClinVar variation 1960568 (VCV001960568.5), dbSNP rs2532575792, ClinGen allele CA360960156.
Genomic context (GRCh38, chr5:132,934,508, plus strand): 5'-TCCTTGCTATGGTGATCATTCCCATGAGACCTGGAATGACTAGAGTTTAATGAAGAAACA[G>C]CCTGGGGTTTTCCAGGGCTGGAAGAACGTGATTTGGAGTGTTCTGATCCATGCTGGCCTT-3'
Protein context (NP_055238.1, residues 176-196): SRSSSPGKPQ[Ala186Gly]VSSLNSSHSR